The following is an entry in ClinVar:

NM_001868.4(CPA1):c.247G>A (p.Gly83Ser)

Gene: CPA1 (carboxypeptidase A1; plus strand). Cytogenetic location: 7q32.2.
Variant type: single nucleotide variant.
Coding change: c.247G>A on transcript NM_001868.4 (MANE Select); coding-DNA position 247, G replaced by A.
Protein change: p.Gly83Ser; replaces glycine 83 with serine.
Molecular consequence: missense variant.
Genome position (GRCh38, 1-based): chr7:130,381,729, G>A. VCF-style: chr7-130381729-G-A. GRCh37 (hg19) VCF-style: chr7-130021570-G-A.
Other names: short protein forms G83S.
Identifiers: ClinVar variation 3221815 (VCV003221815.2), dbSNP rs782186717, ClinGen allele CA369279994.

ClinVar aggregate classification (germline): Uncertain significance (1 of 4 stars; one submission).

Conditions:
Hereditary pancreatitis (PCTT). Also called: Hereditary chronic pancreatitis; PRSS1-Related Hereditary Pancreatitis. Identifiers: Orphanet 676, MedGen C0238339, MONDO:0008185, OMIM 167800.

Submission:

Ambry Genetics
Classification: Uncertain significance for Hereditary pancreatitis. Last evaluated: 2025-11-05. Review status: criteria provided, single submitter. Criteria: Ambry Variant Classification Scheme 2023. Collection method: clinical testing. Allele origin: germline.
Comment: The p.G83S variant (also known as c.247G>A), located in coding exon 3 of the CPA1 gene, results from a G to A substitution at nucleotide position 247. The glycine at codon 83 is replaced by serine, an amino acid with similar properties. This amino acid position is conserved. In addition, this alteration is predicted to be tolerated by in silico analysis. Since supporting evidence is limited at this time, the clinical significance of this alteration remains unclear.